The following is an entry in ClinVar:

ClinVar aggregate classification (germline): Uncertain significance (1 of 4 stars; one submission).

Conditions:
Werner syndrome (WRN). Identifiers: Orphanet 902, MedGen C0043119, MONDO:0010196, OMIM 277700.

Allele frequency attached by ClinVar (database versions not stated): gnomAD exomes below 0.00001; ExAC 0.00001.

Submission:

Labcorp Genetics (formerly Invitae), Labcorp
Classification: Uncertain significance for Werner syndrome. Last evaluated: 2024-02-17. Review status: criteria provided, single submitter. Criteria: Invitae Variant Classification Sherloc (09022015). Collection method: clinical testing. Allele origin: germline.
Comment: This sequence change affects an acceptor splice site in intron 34 of the WRN gene. While this variant is not anticipated to result in nonsense mediated decay, it likely alters RNA splicing and results in a disrupted protein product. This variant is present in population databases (rs760110948, gnomAD 0.0009%). This variant has not been reported in the literature in individuals affected with WRN-related conditions. ClinVar contains an entry for this variant (Variation ID: 1474364). Variants that disrupt the consensus splice site are a relatively common cause of aberrant splicing (PMID: 17576681, 9536098). Algorithms developed to predict the effect of sequence changes on RNA splicing suggest that this variant may disrupt the consensus splice site. In summary, the available evidence is currently insufficient to determine the role of this variant in disease. Therefore, it has been classified as a Variant of Uncertain Significance.

Literature cited by the submitters: PubMed 17576681; PubMed 9536098.

NM_000553.6(WRN):c.4192-2A>T

Genes: WRN (WRN RecQ like helicase; plus strand), LOC126860342 (MED14-independent group 3 enhancer GRCh37_chr8:31029565-31030764; plus strand). Cytogenetic location: 8p12.
Variant type: single nucleotide variant.
Coding change: c.4192-2A>T on transcript NM_000553.6 (MANE Select); the canonical splice acceptor site of the intron before coding-DNA position 4192, A replaced by T.
Molecular consequence: splice acceptor variant.
Genome position (GRCh38, 1-based): chr8:31,172,993, A>T. VCF-style: chr8-31172993-A-T. GRCh37 (hg19) VCF-style: chr8-31030509-A-T.
Identifiers: ClinVar variation 1474364 (VCV001474364.5), dbSNP rs760110948, ClinGen allele CA4705293.